The following is an entry in ClinVar:

ClinVar aggregate classification (germline): Uncertain significance (1 of 4 stars; one submission).

Conditions:
Familial cold autoinflammatory syndrome 2 (FCAS2). Identifiers: Orphanet 247868, MedGen C2673198, MONDO:0012724, OMIM 611762.

Submission:

Juno Genomics, Hangzhou Juno Genomics, Inc
Classification: Uncertain significance for Familial cold autoinflammatory syndrome 2. Review status: criteria provided, single submitter. Criteria: ACMG Guidelines, 2015. Collection method: clinical testing. Allele origin: germline. Affected: yes.
Comment: Absent from controls (or at extremely low frequency if recessive) in Genome Aggregation Database, Exome Sequencing Project, 1000 Genomes Project, or Exome Aggregation Consortium.

NM_144687.4(NLRP12):c.1382dup (p.Leu461fs)

Gene: NLRP12 (NLR family pyrin domain containing 12; minus strand). Cytogenetic location: 19q13.42.
Variant type: Duplication.
Coding change: c.1382dup on transcript NM_144687.4 (MANE Select); coding-DNA position 1382, one base duplicated (T; older notation c.1382dupT).
Protein change: p.Leu461fs; shifts the reading frame from leucine 461.
Molecular consequence: frameshift variant.
Genome position (GRCh38, 1-based): chr19:53,810,277, A duplicated on the plus strand (T on the coding strand, the reverse complement: NLRP12 is on the minus strand); the first of 2 consecutive A bases (chr19:53,810,277-53,810,278); duplicating either gives the same sequence. VCF-style (leftmost placement, unchanged base first): chr19-53810276-C-CA. GRCh37 (hg19) VCF-style: chr19-54313530-C-CA.
Other names: c.1382dup, p.Leu461fs (NM_001277126.2, NM_001277129.1); short protein forms L461fs.
Identifiers: ClinVar variation 3382914 (VCV003382914.3).